The following is an entry in ClinVar:

ClinVar aggregate classification (germline): Uncertain significance. Review status: criteria provided, multiple submitters, no conflicts (2 of 4 stars). 2 submissions from 2 submitters: Uncertain significance (2). Last evaluated 2024-10-03.

Conditions:
Kabuki syndrome 2 (KABUK2). Also called: KDM6A-Related Kabuki Syndrome. Identifiers: Orphanet 2322, MedGen C3275495, MONDO:0010465, OMIM 300867.

Submissions (2):

Victorian Clinical Genetics Services, Murdoch Childrens Research Institute
Classification: Uncertain significance for Kabuki syndrome 2. Last evaluated: 2024-10-03. Review status: criteria provided, single submitter. Criteria: ACMG Guidelines, 2015. Collection method: clinical testing. Allele origin: germline. Affected: yes.
Comment: This variant is classified as VUS-3A. Evidence in support of pathogenic classification: Variant is absent from gnomAD (v2, v3 and v4); This variant has limited previous evidence of pathogenicity in an unrelated individual. This variant has been classified as a VUS and identified in a child whose phenotype is suggestive of Kabuki syndrome including intellectual disability and seizures (ClinVar, personal communication); Missense variant consistently predicted to be damaging by in silico tool or highly conserved with a major amino acid change. Additional information: Variant is predicted to result in a missense amino acid change from serine to phenylalanine; This variant is hemizygous; This gene is associated with X-linked dominant disease; An alternative amino acid change at the same position has been observed in gnomAD (v4: 6 heterozygote(s), 0 homozygote(s), 2 hemizygote(s)); No published segregation evidence has been identified for this variant; No published functional evidence has been identified for this variant; No comparable missense variants have previous evidence for pathogenicity; Variant is located in the annotated TPR repeat domain (NCBI, PMID: 33674768); Loss of function is a known mechanism of disease in this gene and is associated with Kabuki syndrome 2 (MIM#300867).

Labcorp Genetics (formerly Invitae), Labcorp
Classification: Uncertain significance for Kabuki syndrome 2. Last evaluated: 2020-03-10. Review status: criteria provided, single submitter. Criteria: Invitae Variant Classification Sherloc (09022015). Collection method: clinical testing. Allele origin: germline.
Comment: Algorithms developed to predict the effect of missense changes on protein structure and function (SIFT, PolyPhen-2, Align-GVGD) all suggest that this variant is likely to be disruptive, but these predictions have not been confirmed by published functional studies and their clinical significance is uncertain. In summary, the available evidence is currently insufficient to determine the role of this variant in disease. Therefore, it has been classified as a Variant of Uncertain Significance. This variant has not been reported in the literature in individuals with KDM6A-related conditions. This sequence change replaces serine with phenylalanine at codon 114 of the KDM6A protein (p.Ser114Phe). The serine residue is highly conserved and there is a large physicochemical difference between serine and phenylalanine. This variant is not present in population databases (ExAC no frequency).

Literature cited by the submitters: PubMed 33674768 (cited by Victorian Clinical Genetics Services, Murdoch Childrens Research Institute).

NM_001291415.2(KDM6A):c.341C>T (p.Ser114Phe)

Gene: KDM6A (lysine demethylase 6A; plus strand). Cytogenetic location: Xp11.3.
Variant type: single nucleotide variant.
Coding change: c.341C>T on transcript NM_001291415.2 (MANE Select); coding-DNA position 341, C replaced by T.
Protein change: p.Ser114Phe; replaces serine 114 with phenylalanine.
Molecular consequence: missense variant. On other transcripts: 5 prime UTR variant (1), non-coding transcript variant (1).
Genome position (GRCh38, 1-based): chrX:44,974,672, C>T. VCF-style: chrX-44974672-C-T. GRCh37 (hg19) VCF-style: chrX-44833917-C-T.
Other names: c.341C>T, p.Ser114Phe (NM_001291416.2, NM_001291417.2, NM_001291418.2 and 1 more transcripts); c.-292C>T (NM_001291421.2); short protein forms S114F.
Identifiers: ClinVar variation 1018937 (VCV001018937.10), dbSNP rs767039378, ClinGen allele CA413021361.
Genomic context (GRCh38, chrX:44,974,672, plus strand): 5'-ATTATTGACTTTAAAGTGAGACATAATTATGACTCATAATTATTTTCCTTTCAGCATTAT[C>T]TGCATACCAGAGGTACTACAGTTTACAGTCTGACTACTGGAAGGTTAGTGTACATTTGCA-3'
Protein context (NP_001278344.1, residues 104-124): LLLEDYPKAL[Ser114Phe]AYQRYYSLQS